The following is an entry in ClinVar:

NM_182961.4(SYNE1):c.25225A>G (p.Ser8409Gly)

Gene: SYNE1 (spectrin repeat containing nuclear envelope protein 1; minus strand). Cytogenetic location: 6q25.2.
Variant type: single nucleotide variant.
Coding change: c.25225A>G on transcript NM_182961.4 (MANE Select); coding-DNA position 25225, A replaced by G.
Protein change: p.Ser8409Gly; replaces serine 8409 with glycine.
Molecular consequence: missense variant.
Genome position (GRCh38, 1-based): chr6:152,141,224, T>C on the plus strand (A>G on the coding strand, the complement: SYNE1 is on the minus strand). VCF-style: chr6-152141224-T-C. GRCh37 (hg19) VCF-style: chr6-152462359-T-C.
Other names: c.1831A>G, p.Ser611Gly (NM_001347701.2); c.1759A>G, p.Ser587Gly (NM_001347702.2); c.25081A>G, p.Ser8361Gly (NM_033071.5); short protein forms S8361G, S8409G, S587G, S611G.
Identifiers: ClinVar variation 286015 (VCV000286015.6), dbSNP rs200377339, ClinGen allele CA4052896.

ClinVar aggregate classification (germline): Uncertain significance. Review status: criteria provided, multiple submitters, no conflicts (2 of 4 stars). 2 submissions from 2 submitters: Uncertain significance (2). Last evaluated 2022-06-15.

Conditions:
Autosomal recessive ataxia, Beauce type. Also called: Spinocerebellar ataxia, autosomal recessive 8; ATAXIA, RECESSIVE, OF BEAUCE; SYNE1 Deficiency; SYNE1-Related Autosomal Recessive Cerebellar Ataxia. Identifiers: Orphanet 88644, MedGen C1853116, MONDO:0012549, OMIM 610743.
Emery-Dreifuss muscular dystrophy 4, autosomal dominant (EDMD4). Also called: EMERY-DREIFUSS MUSCULAR DYSTROPHY 4 WITH VARIABLE FEATURES. Identifiers: Orphanet 261, MedGen C2751807, MONDO:0013071, OMIM 612998.

Allele frequency attached by ClinVar (database versions not stated): gnomAD 0.00001 and 0.00005; gnomAD exomes 0.00001 and 0.00008; TOPMed 0.00002; ExAC 0.00008; 1000 Genomes Project 30x 0.00078; 1000 Genomes Project 0.00080.
gnomAD v4.1: 20 of 1,614,158 alleles (0.0012%); highest among the groups gnomAD compares: East Asian, 0.04%; no homozygotes.

Submissions (2):

Labcorp Genetics (formerly Invitae), Labcorp
Classification: Uncertain significance for Emery-Dreifuss muscular dystrophy 4, autosomal dominant; Autosomal recessive ataxia, Beauce type. Last evaluated: 2022-06-15. Review status: criteria provided, single submitter. Criteria: Invitae Variant Classification Sherloc (09022015). Collection method: clinical testing. Allele origin: germline.
Comment: This sequence change replaces serine, which is neutral and polar, with glycine, which is neutral and non-polar, at codon 8361 of the SYNE1 protein (p.Ser8361Gly). This variant is present in population databases (rs200377339, gnomAD 0.1%). This variant has not been reported in the literature in individuals affected with SYNE1-related conditions. ClinVar contains an entry for this variant (Variation ID: 286015). Algorithms developed to predict the effect of missense changes on protein structure and function are either unavailable or do not agree on the potential impact of this missense change (SIFT: "Deleterious"; PolyPhen-2: "Benign"; Align-GVGD: "Class C0"). In summary, the available evidence is currently insufficient to determine the role of this variant in disease. Therefore, it has been classified as a Variant of Uncertain Significance.

Eurofins Ntd Llc (ga)
Classification: Uncertain significance. Last evaluated: 2016-02-02. Review status: criteria provided, single submitter. Criteria: EGL Classification Definitions 2015. Collection method: clinical testing. Allele origin: germline. Observed: 1 variant allele, 1 heterozygote.